The following is an entry in ClinVar:

NM_001382430.1(AKT1):c.159C>A (p.Asn53Lys)

Gene: AKT1 (AKT serine/threonine kinase 1; minus strand). Cytogenetic location: 14q32.33.
Variant type: single nucleotide variant.
Coding change: c.159C>A on transcript NM_001382430.1 (MANE Select); coding-DNA position 159, C replaced by A.
Protein change: p.Asn53Lys; replaces asparagine 53 with lysine.
Molecular consequence: missense variant.
Genome position (GRCh38, 1-based): chr14:104,780,104, G>T on the plus strand (C>A on the coding strand, the complement: AKT1 is on the minus strand). VCF-style: chr14-104780104-G-T. GRCh37 (hg19) VCF-style: chr14-105246441-G-T.
Other names: c.159C>A, p.Asn53Lys (NM_001014431.2, NM_001014432.2, NM_001382431.1 and 3 more transcripts); short protein forms N53K.
Identifiers: ClinVar variation 3519202 (VCV003519202.1).

ClinVar aggregate classification (germline): Uncertain significance (1 of 4 stars; one submission).

Conditions:
Inborn genetic diseases. Identifiers: MedGen C0950123, MeSH D030342.

Submission:

Ambry Genetics
Classification: Uncertain significance for Inborn genetic diseases. Last evaluated: 2024-12-10. Review status: criteria provided, single submitter. Criteria: Ambry Variant Classification Scheme 2023. Collection method: clinical testing. Allele origin: germline.
Comment: The p.N53K variant (also known as c.159C>A), located in coding exon 2 of the AKT1 gene, results from a C to A substitution at nucleotide position 159. The asparagine at codon 53 is replaced by lysine, an amino acid with similar properties. This amino acid position is conserved. In addition, this alteration is predicted to be tolerated by in silico analysis. Based on the available evidence, the clinical significance of this variant remains unclear.